The following is an entry in ClinVar:

NM_017934.7(PHIP):c.1036C>T (p.Arg346Trp)

Gene: PHIP (PHIP subunit of CUL4-Ring ligase complex; minus strand). Cytogenetic location: 6q14.1.
Variant type: single nucleotide variant.
Coding change: c.1036C>T on transcript NM_017934.7 (MANE Select); coding-DNA position 1036, C replaced by T.
Protein change: p.Arg346Trp; replaces arginine 346 with tryptophan.
Molecular consequence: missense variant.
Genome position (GRCh38, 1-based): chr6:79,017,542, G>A on the plus strand (C>T on the coding strand, the complement: PHIP is on the minus strand). VCF-style: chr6-79017542-G-A. GRCh37 (hg19) VCF-style: chr6-79727259-G-A.
Other names: short protein forms R346W.
Identifiers: ClinVar variation 3354000 (VCV003354000.1).

ClinVar aggregate classification (germline): Uncertain significance (0 of 4 stars; one submission).

Conditions:
PHIP-related disorder. Also called: PHIP-related condition; PHIP-related disorders.

Submission:

PreventionGenetics, part of Exact Sciences
Classification: Uncertain significance for PHIP-related condition. Last evaluated: 2024-04-16. Review status: no assertion criteria provided. Collection method: clinical testing. Allele origin: germline.
Comment: The PHIP c.1036C>T variant is predicted to result in the amino acid substitution p.Arg346Trp. To our knowledge, this variant has not been reported in the literature or in a large population database, indicating this variant is rare. At this time, the clinical significance of this variant is uncertain due to the absence of conclusive functional and genetic evidence.